The following is an entry in ClinVar:

ClinVar aggregate classification (germline): Benign. Review status: criteria provided, multiple submitters, no conflicts (2 of 4 stars). 2 submissions from 2 submitters: Benign (2). Last evaluated 2018-01-13.

Conditions:
Pitt-Hopkins-like syndrome 2 (PTHSL2). Identifiers: Orphanet 221150, Orphanet 600663, MedGen C3280479, MONDO:0013690, OMIM 614325.

Allele frequency attached by ClinVar (database versions not stated): TOPMed 0.01157; gnomAD 0.01190 and 0.01285; 1000 Genomes Project 0.01498; 1000 Genomes Project 30x 0.01562.

Submissions (2):

Illumina Laboratory Services, Illumina
Classification: Benign for Pitt-Hopkins-like syndrome 2. Last evaluated: 2018-01-13. Review status: criteria provided, single submitter. Criteria: ICSL Variant Classification Criteria 13 December 2019. Collection method: clinical testing. Allele origin: germline.
Comment: This variant was observed in the ICSL laboratory as part of a predisposition screen in an ostensibly healthy population. It had not been previously curated by ICSL or reported in the Human Gene Mutation Database (HGMD: prior to June 1st, 2018), and was therefore a candidate for classification through an automated scoring system. Utilizing variant allele frequency, disease prevalence and penetrance estimates, and inheritance mode, an automated score was calculated to assess if this variant is too frequent to cause the disease. Based on the score and internal cut-off values, a variant classified as benign is not then subjected to further curation. The score for this variant resulted in a classification of benign for this disease.

Breakthrough Genomics
Classification: Benign. Review status: criteria provided, single submitter. Criteria: ACMG Guidelines, 2015. Collection method: not provided. Allele origin: germline. Inheritance: Autosomal recessive inheritance. Affected: yes.

NM_001330078.2(NRXN1):c.*2511G>C

Gene: NRXN1 (neurexin 1; minus strand). Cytogenetic location: 2p16.3.
Variant type: single nucleotide variant.
Coding change: c.*2511G>C on transcript NM_001330078.2 (MANE Select); 2511 bases downstream of the stop codon, G replaced by C.
Molecular consequence: 3 prime UTR variant.
Genome position (GRCh38, 1-based): chr2:49,919,433, C>G on the plus strand (G>C on the coding strand, the complement: NRXN1 is on the minus strand). VCF-style: chr2-49919433-C-G. GRCh37 (hg19) VCF-style: chr2-50146571-C-G.
Other names: c.*2511G>C (NM_001135659.3, NM_001320156.4, NM_001320157.4 and 17 more transcripts).
Identifiers: ClinVar variation 336505 (VCV000336505.6), dbSNP rs148938313, ClinGen allele CA10615808.
Genomic context (GRCh38, chr2:49,919,433, plus strand): 5'-ATATCAATCATTGCATGTAACTTTAAAATTTACGCTGGGGAGAAACATTGAAATCAATCC[C>G]AAACAACACATTTCATAGATATACTGCTTAAAATTACCATTATTCAATTTATTTTCTATT-3'